The following is an entry in ClinVar:

NM_005908.4(MANBA):c.1952C>T (p.Thr651Met)

Gene: MANBA (mannosidase beta; minus strand). Cytogenetic location: 4q24.
Variant type: single nucleotide variant.
Coding change: c.1952C>T on transcript NM_005908.4 (MANE Select); coding-DNA position 1952, C replaced by T.
Protein change: p.Thr651Met; replaces threonine 651 with methionine.
Molecular consequence: missense variant.
Genome position (GRCh38, 1-based): chr4:102,639,775, G>A on the plus strand (C>T on the coding strand, the complement: MANBA is on the minus strand). VCF-style: chr4-102639775-G-A. GRCh37 (hg19) VCF-style: chr4-103560932-G-A.
Other names: short protein forms T651M.
Identifiers: ClinVar variation 1418722 (VCV001418722.5), dbSNP rs774565122, ClinGen allele CA3026749.

ClinVar aggregate classification (germline): Uncertain significance (1 of 4 stars; one submission).

Conditions:
Beta-D-mannosidosis (MANSB). Also called: MANNOSIDOSIS, BETA A, LYSOSOMAL; BETA-MANNOSIDASE DEFICIENCY; LYSOSOMAL BETA-MANNOSIDASE DEFICIENCY; Beta-Mannosidosis. Identifiers: Orphanet 118, MedGen C4048196, MONDO:0009562, OMIM 248510.

Allele frequency attached by ClinVar (database versions not stated): TOPMed below 0.00001; ExAC 0.00001; gnomAD exomes 0.00001 and below 0.00001; gnomAD 0.00001.
gnomAD v4.1: 5 of 1,613,950 alleles (0.00031%); highest among the groups gnomAD compares: Admixed American, 0.0017%; no homozygotes.

Submission:

Labcorp Genetics (formerly Invitae), Labcorp
Classification: Uncertain significance for Beta-D-mannosidosis. Last evaluated: 2021-09-24. Review status: criteria provided, single submitter. Criteria: Invitae Variant Classification Sherloc (09022015). Collection method: clinical testing. Allele origin: germline.
Comment: This sequence change replaces threonine with methionine at codon 651 of the MANBA protein (p.Thr651Met). The threonine residue is highly conserved and there is a moderate physicochemical difference between threonine and methionine. This variant is present in population databases (rs774565122, ExAC 0.001%). This variant has not been reported in the literature in individuals with MANBA-related conditions. Algorithms developed to predict the effect of missense changes on protein structure and function are either unavailable or do not agree on the potential impact of this missense change (SIFT: "Deleterious"; PolyPhen-2: "Probably Damaging"; Align-GVGD: "Class C0"). In summary, the available evidence is currently insufficient to determine the role of this variant in disease. Therefore, it has been classified as a Variant of Uncertain Significance.